The following is an entry in ClinVar:

NM_002529.4(NTRK1):c.1354+1G>C

Gene: NTRK1 (neurotrophic receptor tyrosine kinase 1; plus strand). Cytogenetic location: 1q23.1.
Variant type: single nucleotide variant.
Coding change: c.1354+1G>C on transcript NM_002529.4 (MANE Select); the canonical splice donor site of the intron after coding-DNA position 1354, G replaced by C.
Molecular consequence: splice donor variant.
Genome position (GRCh38, 1-based): chr1:156,875,009, G>C. VCF-style: chr1-156875009-G-C. GRCh37 (hg19) VCF-style: chr1-156844801-G-C.
Other names: c.1246+1G>C (NM_001007792.1); c.1336+1G>C (NM_001012331.2).
Identifiers: ClinVar variation 2768860 (VCV002768860.3), dbSNP rs764771898, ClinGen allele CA342937134.

ClinVar aggregate classification (germline): Pathogenic (1 of 4 stars; one submission).

Conditions:
Hereditary insensitivity to pain with anhidrosis (CIPA). Also called: FAMILIAL DYSAUTONOMIA, TYPE II; NEUROPATHY, CONGENITAL SENSORY, WITH ANHIDROSIS; NTRK1 Congenital Insensitivity to Pain with Anhidrosis; HSAN Type IV; INSENSITIVITY TO PAIN, CONGENITAL, WITH ANHIDROSIS; hereditary sensory and autonomic neuropathy type 4. Identifiers: Orphanet 642, MedGen C0020074, MONDO:0009746, OMIM 256800.

Submission:

Labcorp Genetics (formerly Invitae), Labcorp
Classification: Pathogenic for Hereditary insensitivity to pain with anhidrosis. Last evaluated: 2023-10-15. Review status: criteria provided, single submitter. Criteria: Invitae Variant Classification Sherloc (09022015). Collection method: clinical testing. Allele origin: germline.
Comment: This sequence change affects a donor splice site in intron 10 of the NTRK1 gene. It is expected to disrupt RNA splicing. Variants that disrupt the donor or acceptor splice site typically lead to a loss of protein function (PMID: 16199547), and loss-of-function variants in NTRK1 are known to be pathogenic (PMID: 10982191). This variant is not present in population databases (gnomAD no frequency). Disruption of this splice site has been observed in individual(s) with NTRK1-related conditions (PMID: 32219930). In at least one individual the data is consistent with being in trans (on the opposite chromosome) from a pathogenic variant. Algorithms developed to predict the effect of sequence changes on RNA splicing suggest that this variant may disrupt the consensus splice site. For these reasons, this variant has been classified as Pathogenic.

Literature cited by the submitters: PubMed 16199547; PubMed 10982191; PubMed 32219930.